The following is an entry in ClinVar:

NM_001025603.2(RFX5):c.1779del (p.Asp594fs)

Gene: RFX5 (regulatory factor X5; minus strand). Cytogenetic location: 1q21.3.
Variant type: Deletion.
Coding change: c.1779del on transcript NM_001025603.2 (MANE Select); coding-DNA position 1779, one base deleted (A; older notation c.1779delA).
Protein change: p.Asp594fs; shifts the reading frame from aspartic acid 594.
Molecular consequence: frameshift variant.
Genome position (GRCh38, 1-based): chr1:151,342,258, T deleted on the plus strand (A on the coding strand, the reverse complement: RFX5 is on the minus strand); the first of 3 consecutive T bases (chr1:151,342,258-151,342,260); deleting any one gives the same sequence. VCF-style (leftmost placement, unchanged base first): chr1-151342257-CT-C. GRCh37 (hg19) VCF-style: chr1-151314733-CT-C.
Other names: c.1779del, p.Asp594fs (NM_001379415.1, NM_001379416.1, NM_001379417.1 and 5 more transcripts); c.1659del, p.Asp554fs (NM_001379419.1, NM_001379420.1); short protein forms D554fs, D594fs.
Identifiers: ClinVar variation 1058936 (VCV001058936.9), dbSNP rs2102058217, ClinGen allele CA2499214171.

ClinVar aggregate classification (germline): Uncertain significance (1 of 4 stars; one submission).

Conditions:
MHC class II deficiency. Also called: BLS, TYPE II; Bare lymphocyte syndrome 2. Identifiers: Orphanet 572, MedGen C5447452, MONDO:0008855.

Submission:

Labcorp Genetics (formerly Invitae), Labcorp
Classification: Uncertain significance for MHC class II deficiency. Last evaluated: 2020-10-19. Review status: criteria provided, single submitter. Criteria: Invitae Variant Classification Sherloc (09022015). Collection method: clinical testing. Allele origin: germline.
Comment: In summary, the available evidence is currently insufficient to determine the role of this variant in disease. Therefore, it has been classified as a Variant of Uncertain Significance. Experimental studies and prediction algorithms are not available or were not evaluated, and the functional significance of this variant is currently unknown. This variant has not been reported in the literature in individuals with RFX5-related conditions. This variant is not present in population databases (ExAC no frequency). This sequence change creates a premature translational stop signal (p.Asp594Thrfs*2) in the RFX5 gene. While this is not anticipated to result in nonsense mediated decay, it is expected to disrupt the last 23 amino acid(s) of the RFX5 protein.